The following is an entry in ClinVar:

NM_001142800.2(EYS):c.7517A>T (p.Asn2506Ile)

Gene: EYS (EGF-like photoreceptor maintenance factor; minus strand). Cytogenetic location: 6q12.
Variant type: single nucleotide variant.
Coding change: c.7517A>T on transcript NM_001142800.2 (MANE Select); coding-DNA position 7517, A replaced by T.
Protein change: p.Asn2506Ile; replaces asparagine 2506 with isoleucine.
Molecular consequence: missense variant.
Genome position (GRCh38, 1-based): chr6:63,789,119, T>A on the plus strand (A>T on the coding strand, the complement: EYS is on the minus strand). VCF-style: chr6-63789119-T-A. GRCh37 (hg19) VCF-style: chr6-64499012-T-A.
Other names: c.7517A>T, p.Asn2506Ile (NM_001292009.2); short protein forms N2506I.
Identifiers: ClinVar variation 2062028 (VCV002062028.4), dbSNP rs1358747928, ClinGen allele CA364385750.

ClinVar aggregate classification (germline): Uncertain significance (1 of 4 stars; one submission).

Submission:

Labcorp Genetics (formerly Invitae), Labcorp
Classification: Uncertain significance. Last evaluated: 2022-06-04. Review status: criteria provided, single submitter. Criteria: Invitae Variant Classification Sherloc (09022015). Collection method: clinical testing. Allele origin: germline.
Comment: In summary, the available evidence is currently insufficient to determine the role of this variant in disease. Therefore, it has been classified as a Variant of Uncertain Significance. Algorithms developed to predict the effect of missense changes on protein structure and function are either unavailable or do not agree on the potential impact of this missense change (SIFT: "Deleterious"; PolyPhen-2: "Benign"; Align-GVGD: "Class C55"). This variant has not been reported in the literature in individuals affected with EYS-related conditions. This variant is not present in population databases (gnomAD no frequency). This sequence change replaces asparagine, which is neutral and polar, with isoleucine, which is neutral and non-polar, at codon 2506 of the EYS protein (p.Asn2506Ile).